The following is an entry in ClinVar:

ClinVar aggregate classification (germline): Uncertain significance. Review status: criteria provided, multiple submitters, no conflicts (2 of 4 stars). 2 submissions from 2 submitters: Uncertain significance (2). Last evaluated 2024-12-19.

Conditions:
Peroxisome biogenesis disorder, complementation group K (CGK). Identifiers: MedGen C1866257, MONDO:0800365.
PEX14-related disorder. Also called: PEX14-related condition.

Allele frequency attached by ClinVar (database versions not stated): gnomAD 0.00001; TOPMed 0.00001; gnomAD exomes 0.00003; ExAC 0.00005; ESP Exome Variant Server 0.00015.

Submissions (2):

PreventionGenetics, part of Exact Sciences
Classification: Uncertain significance for PEX14-related condition. Last evaluated: 2024-12-19. Review status: criteria provided, single submitter. Criteria: ACMG Guidelines, 2015. Collection method: clinical testing. Allele origin: germline.
Comment: The PEX14 c.896G>A variant is predicted to result in the amino acid substitution p.Gly299Asp. To our knowledge, this variant has not been reported in the literature. This variant is reported in 0.0068% of alleles in individuals of European (Non-Finnish) descent in gnomAD. At this time, the clinical significance of this variant is uncertain due to the absence of conclusive functional and genetic evidence.

Labcorp Genetics (formerly Invitae), Labcorp
Classification: Uncertain significance for Peroxisome biogenesis disorder, complementation group K. Last evaluated: 2023-07-29. Review status: criteria provided, single submitter. Criteria: Invitae Variant Classification Sherloc (09022015). Collection method: clinical testing. Allele origin: germline.
Comment: Advanced modeling of protein sequence and biophysical properties (such as structural, functional, and spatial information, amino acid conservation, physicochemical variation, residue mobility, and thermodynamic stability) performed at Invitae indicates that this missense variant is not expected to disrupt PEX14 protein function. In summary, the available evidence is currently insufficient to determine the role of this variant in disease. Therefore, it has been classified as a Variant of Uncertain Significance. ClinVar contains an entry for this variant (Variation ID: 1417438). This sequence change replaces glycine, which is neutral and non-polar, with aspartic acid, which is acidic and polar, at codon 299 of the PEX14 protein (p.Gly299Asp). This variant is present in population databases (rs140533305, gnomAD 0.006%). This variant has not been reported in the literature in individuals affected with PEX14-related conditions.

NM_004565.3(PEX14):c.896G>A (p.Gly299Asp)

Gene: PEX14 (peroxisomal biogenesis factor 14; plus strand). Cytogenetic location: 1p36.22.
Variant type: single nucleotide variant.
Coding change: c.896G>A on transcript NM_004565.3 (MANE Select); coding-DNA position 896, G replaced by A.
Protein change: p.Gly299Asp; replaces glycine 299 with aspartic acid.
Molecular consequence: missense variant.
Genome position (GRCh38, 1-based): chr1:10,629,749, G>A. VCF-style: chr1-10629749-G-A. GRCh37 (hg19) VCF-style: chr1-10689806-G-A.
Other names: c.896G>A (NM_004565.2); short protein forms G299D.
Identifiers: ClinVar variation 1417438 (VCV001417438.5), dbSNP rs140533305, ClinGen allele CA583991.